The following is an entry in ClinVar:

ClinVar aggregate classification (germline): Uncertain significance (1 of 4 stars; one submission).

Conditions:
STING-associated vasculopathy with onset in infancy. Also called: Sting-associated vasculopathy, infantile-onset. Identifiers: Orphanet 425120, MedGen C4014722, MONDO:0014405, OMIM 615934.

gnomAD v4.1: 3 of 1,612,702 alleles (0.00019%); highest among the groups gnomAD compares: African/African-American, 0.0027%; no homozygotes.

Submission:

Labcorp Genetics (formerly Invitae), Labcorp
Classification: Uncertain significance for STING-associated vasculopathy with onset in infancy. Last evaluated: 2025-02-17. Review status: criteria provided, single submitter. Criteria: Invitae Variant Classification Sherloc (09022015). Collection method: clinical testing. Allele origin: germline.
Comment: This sequence change affects codon 169 of the TMEM173 mRNA. It is a 'silent' change, meaning that it does not change the encoded amino acid sequence of the TMEM173 protein. This variant is present in population databases (no rsID available, gnomAD 0.01%). This variant has not been reported in the literature in individuals affected with TMEM173-related conditions. Algorithms developed to predict the effect of sequence changes on RNA splicing suggest that this variant may disrupt the consensus splice site. In summary, the available evidence is currently insufficient to determine the role of this variant in disease. Therefore, it has been classified as a Variant of Uncertain Significance.

NM_198282.4(STING1):c.505C>A (p.Arg169=)

Gene: STING1 (stimulator of interferon response cGAMP interactor 1; minus strand). Cytogenetic location: 5q31.2.
Variant type: single nucleotide variant.
Coding change: c.505C>A on transcript NM_198282.4 (MANE Select); coding-DNA position 505, C replaced by A.
Protein change: p.Arg169=; no amino-acid change (arginine 169 retained).
Molecular consequence: synonymous variant.
Genome position (GRCh38, 1-based): chr5:139,480,805, G>T on the plus strand (C>A on the coding strand, the complement: STING1 is on the minus strand). VCF-style: chr5-139480805-G-T. GRCh37 (hg19) VCF-style: chr5-138860390-G-T.
Other names: c.505C>A, p.Arg169= (NM_001301738.2); c.148C>A, p.Arg50= (NM_001367258.1).
Identifiers: ClinVar variation 4710660 (VCV004710660.1).
Genomic context (GRCh38, chr5:139,480,805, plus strand): 5'-GTCTGTTTTGTAGATCGAGAAATGGGGGCAGAGAGGATGGCCCACCTGGCAGGATCAGCC[G>T]CAGATATCCGATGTAATATGACCATGCCAGCCCATGGGCCACGTTGAAATTCCCTTTTTC-3'
Protein context (NP_938023.1, residues 159-179): LAWSYYIGYL[Arg169=]LILPELQARI